The following is an entry in ClinVar:

ClinVar aggregate classification (germline): Likely benign. Review status: criteria provided, multiple submitters, no conflicts (2 of 4 stars). 2 submissions from 2 submitters: Likely benign (2). Last evaluated 2025-12-02.

Conditions:
F13A1-related disorder. Also called: F13A1-related condition.

gnomAD v4.1: 86 of 1,613,820 alleles (0.0053%); highest among the groups gnomAD compares: Middle Eastern, 0.12%; no homozygotes.

Submissions (2):

PreventionGenetics, part of Exact Sciences
Classification: Likely benign for F13A1-related condition. Last evaluated: 2025-12-02. Review status: criteria provided, single submitter. Criteria: ACMG Guidelines, 2015. Collection method: clinical testing. Allele origin: germline.
Comment: This variant is classified as likely benign based on ACMG/AMP sequence variant interpretation guidelines (Richards et al. 2015 PMID: 25741868, with internal and published modifications).

Blueprint Genetics
Classification: Likely benign. Last evaluated: 2024-07-02. Review status: criteria provided, single submitter. Criteria: ACMG Guidelines, 2015. Collection method: clinical testing. Allele origin: germline.

NM_000129.4(F13A1):c.753T>C (p.Ser251=)

Gene: F13A1 (coagulation factor XIII A chain; minus strand). Cytogenetic location: 6p25.1.
Variant type: single nucleotide variant.
Coding change: c.753T>C on transcript NM_000129.4 (MANE Select); coding-DNA position 753, T replaced by C.
Protein change: p.Ser251=; no amino-acid change (serine 251 retained).
Molecular consequence: synonymous variant.
Genome position (GRCh38, 1-based): chr6:6,248,357, A>G on the plus strand (T>C on the coding strand, the complement: F13A1 is on the minus strand). VCF-style: chr6-6248357-A-G. GRCh37 (hg19) VCF-style: chr6-6248590-A-G.
Identifiers: ClinVar variation 4973582 (VCV004973582.2).